The following is an entry in ClinVar:

NM_015557.3(CHD5):c.5692A>G (p.Ser1898Gly)

Gene: CHD5 (chromodomain helicase DNA binding protein 5; minus strand). Cytogenetic location: 1p36.31.
Variant type: single nucleotide variant.
Coding change: c.5692A>G on transcript NM_015557.3 (MANE Select); coding-DNA position 5692, A replaced by G.
Protein change: p.Ser1898Gly; replaces serine 1898 with glycine.
Molecular consequence: missense variant.
Genome position (GRCh38, 1-based): chr1:6,106,666, T>C on the plus strand (A>G on the coding strand, the complement: CHD5 is on the minus strand). VCF-style: chr1-6106666-T-C. GRCh37 (hg19) VCF-style: chr1-6166726-T-C.
Other names: short protein forms S1898G.
Identifiers: ClinVar variation 3781078 (VCV003781078.1).

ClinVar aggregate classification (germline): Uncertain significance (1 of 4 stars; one submission).

Submission:

GeneDx
Classification: Uncertain significance. Last evaluated: 2024-10-18. Review status: criteria provided, single submitter. Criteria: GeneDx Variant Classification Process June 2021. Collection method: clinical testing. Allele origin: germline. Affected: yes.
Comment: Not observed at significant frequency in large population cohorts (gnomAD); In silico analysis indicates that this missense variant does not alter protein structure/function; Has not been previously published as pathogenic or benign to our knowledge